The following continues an entry in ClinVar:

NM_000288.4(PEX7):c.875T>A (p.Leu292Ter)

Gene: PEX7. ClinVar aggregate classification (germline): Pathogenic. Pathogenic (25).

Submissions 15 to 34 of 34:

Victorian Clinical Genetics Services, Murdoch Childrens Research Institute
Classification: Pathogenic for Rhizomelic chondrodysplasia punctata type 1. Last evaluated: 2020-10-19. Review status: criteria provided, single submitter. Criteria: ACMG Guidelines, 2015. Collection method: clinical testing. Allele origin: germline. Inheritance: Autosomal recessive inheritance. Affected: yes.
Comment: Based on the classification scheme VCGS_Germline_v1.3.2, this variant is classified as Pathogenic. Following criteria are met: 0102 - Loss of function is a known mechanism of disease in this gene and is associated with rhizomelic chondrodysplasia punctata, type 1. (I) 0106 - This gene is associated with autosomal recessive disease. (I) 0205 - Variant is predicted to result in a truncated protein (premature termination codon is NOT located at least 54 nucleotides upstream of the final exon-exon junction) with less than 1/3 of the protein sequence affected. (SP) 0252 - This variant is homozygous. (I) 0304 - Variant is present in gnomAD (v2) <0.01 for a recessive condition (96 heterozygotes, 0 homozygotes). (SP) 0801 - This variant has strong previous evidence of pathogenicity in unrelated individuals. The variant has previously been reported as pathogenic in many patients with rhizomelic chondrodysplasia punctata, and is considered to be a founder variant in the European population (ClinVar, HGMD, PMID: 9090381, PMID: 20301447). (SP) 1002 - This variant has moderate functional evidence supporting abnormal protein function. Functional studies in transfected cells showed impaired protein function (PMID: 9090381). (I) Legend: (SP) - Supporting pathogenic, (I) - Information, (SB) - Supporting benign

Department of Pathology and Laboratory Medicine, Sinai Health System
Classification: Pathogenic for Rhizomelic chondrodysplasia punctata type 1; Refsum disease, classic; Peroxisome biogenesis disorder 9B. Last evaluated: 2020-08-05. Review status: criteria provided, single submitter. Criteria: ACMG Guidelines, 2015. Collection method: research. Allele origin: germline.

CeGaT Center for Human Genetics Tuebingen
Classification: Pathogenic. Last evaluated: 2019-12-01. Review status: criteria provided, single submitter. Criteria: CeGaT Center For Human Genetics Tuebingen Variant Classification Criteria Version 2. Collection method: clinical testing. Allele origin: germline. Affected: yes. Observed: 3 variant alleles.

Myriad Genetics, Inc.
Classification: Pathogenic for Rhizomelic chondrodysplasia punctata type 1. Last evaluated: 2019-11-12. Review status: criteria provided, single submitter. Criteria: Myriad Women's Health Autosomal Recessive and X-Linked Classification Criteria (2019). Collection method: clinical testing. Allele origin: unknown.
Comment: NM_000288.3(PEX7):c.875T>A(L292*) is classified as pathogenic in the context of type 1 rhizomelic chondrodysplasia punctata. Sources cited for classification include the following: PMID 9090383, 21465523, 10673331, 12325024, 11781871 and 9090381. Classification of NM_000288.3(PEX7):c.875T>A(L292*) is based on the following criteria: The variant causes a premature termination codon that is not expected to be targeted by nonsense-mediated mRNA decay; however, literature evidence strongly supports pathogenicity. Please note: this variant was assessed in the context of healthy population screening.

ARUP Laboratories, Molecular Genetics and Genomics, ARUP Laboratories
Classification: Pathogenic. Last evaluated: 2019-10-07. Review status: criteria provided, single submitter. Criteria: ARUP Molecular Germline Variant Investigation Process. Collection method: clinical testing. Allele origin: germline.
Comment: The PEX7 c.875T>A; p.Leu292Ter variant (rs1805137) accounts for about 50% of disease alleles in individuals affected with rhizomelic chondrodysplasia punctata type 1, and is reported in the literature in many affected individuals in the homozygous and compound heterozygous state (Braverman 1997, Braverman 2000, Jacobsen 2015, Motley 2002). This variant is reported in ClinVar (Variation ID: 7780), and is found in the general population with an overall allele frequency of 0.034% (96/282696 alleles) in the Genome Aggregation Database. This variant induces an early termination codon and is predicted to result in a truncated protein, since functional analyses of the variant protein show normal expression but a loss of function due to an inability to bind to the PTS2 ligand (Braverman 1997, Mukai 2002). Based on available information, this variant is considered to be pathogenic. References: Braverman et al. Human PEX7 encodes the peroxisomal PTS2 receptor and is responsible for rhizomelic chondrodysplasia punctata. Nat Genet. 1997 Apr;15(4):369-76. Braverman N et al. PEX7 gene structure, alternative transcripts, and evidence for a founder haplotype for the frequent RCDP allele, L292ter. Genomics. 2000 Jan 15;63(2):181-92. Jacobsen JC et al. Whole Exome Sequencing Reveals Compound Heterozygosity for Ethnically Distinct PEX7 Mutations Responsible for Rhizomelic Chondrodysplasia Punctata, Type 1. Case Rep Genet. 2015;2015:454526. Motley AM et al. Mutational spectrum in the PEX7 gene and functional analysis of mutant alleles in 78 patients with rhizomelic chondrodysplasia punctata type 1. Am J Hum Genet. 2002 Mar;70(3):612-24. Mukai S et al. Intracellular localization, function, and dysfunction of the peroxisome-targeting signal type 2 receptor, Pex7p, in mammalian cells. J Biol Chem. 2002 Mar 15;277(11):9548-61.

Eurofins Ntd Llc (ga)
Classification: Pathogenic. Last evaluated: 2018-05-25. Review status: criteria provided, single submitter. Criteria: EGL ClinVar v180209 classification definitions. Collection method: clinical testing. Allele origin: germline. Observed: 5 variant alleles, 5 heterozygotes.

Illumina Laboratory Services, Illumina
Classification: Pathogenic for PEX7-Related Disorders. Last evaluated: 2017-04-27. Review status: criteria provided, single submitter. Criteria: ICSL Variant Classification Criteria 09 May 2019. Collection method: clinical testing. Allele origin: germline.
Comment: The PEX7 c.875T>A (p.Leu292Ter) variant is a stop-gained variant that is well described as a pathogenic variant, accounting for 51% of disease alleles in individuals with rhizomelic chondrodysplasia punctata (Bravermann et al. 2012). The p.Leu292Ter variant is described in at least ten studies and found in a total of at least 187 individuals including 107 in a homozygous state, 47 in a compound heterozygous state, and 33 individuals in a heterozygous state (Braverman et al. 1997; Motley et al. 1997; Purdue et al. 1997; Brites et al. 1998; Shimozawa et al. 1999; Braverman et al. 2000; Motley et al. 2002; Braverman et al. 2002; Huffnagel et al. 2013; Jacobsen et al. 2016). The variant was absent from 41 controls but is reported at a frequency of 0.00058 in the European American population of the Exome Sequencing Project. The high frequency of the p.Leu292Ter allele is secondary to a founder effect in individuals of Northern European descent. Functional studies showed that the p.Leu292Ter variant protein is localized to the peroxisomes in contrast to the cystolic location of the wild type protein (Bravermann et al. 2012). The variant protein was also shown to be inactive in restoring defective PTS2 import in fibroblasts from patients and Chinese hamster ovary cells and to be impaired in binding both PST2 and PEX5 (Motley et al. 1997; Purdue et al. 1997; Mukai et al. 2002). Based on the collective evidence and the potential impact of stop-gained variants, the p.Leu292Ter variant is classified as pathogenic for PEX7-related disorders. This variant was observed by ICSL as part of a predisposition screen in an ostensibly healthy population.

Women's Health and Genetics/Laboratory Corporation of America, LabCorp
Classification: Pathogenic for Rhizomelic chondrodysplasia punctata type 1. Last evaluated: 2016-12-08. Review status: criteria provided, single submitter. Criteria: LabCorp Variant Classification Summary - May 2015. Collection method: clinical testing. Allele origin: germline.
Comment: Variant summary: The PEX7 c.875T>A (p.Leu292X) variant results in a premature termination codon, predicted to cause a truncated or absent PEX7 protein due to nonsense mediated decay, which are commonly known mechanisms for disease. The variant of interest has been indicated to be a known founder mutation arising from an ancestral chromosome in the Caucasian population per Braverman_2000. The variant of interest was observed in the large, broad control population, ExAC, with an allele frequency of 30/121346 (1/4045), which does not exceed the estimated maximal expected allele frequency for a pathogenic PEX7 variant of 1/534. The variant of interest has been reported in multiple affected individuals in a homozygous and compound heterozygous state. In addition, multiple reputable clinical diagnostic laboratories/databases cite the variant as "pathogenic." Therefore, the variant of interest has been classified as "pathogenic."

Courtagen Diagnostics Laboratory, Courtagen Life Sciences
Classification: Pathogenic for Rhizomelic chondrodysplasia punctata, type 1. Last evaluated: 2014-11-11. Review status: criteria provided, single submitter. Criteria: Courtagen Life Sciences Classifications. Collection method: clinical testing. Allele origin: germline.

Genetic Services Laboratory, University of Chicago
Classification: Pathogenic for Rhizomelic chondrodysplasia punctata, type 1. Last evaluated: 2014-10-10. Review status: criteria provided, single submitter. Criteria: ACMG Guidelines, 2015. Collection method: clinical testing. Allele origin: germline. Affected: yes.

Baylor Genetics
Classification: Pathogenic for Rhizomelic chondrodysplasia punctata type 1. Review status: criteria provided, single submitter. Criteria: ACMG Guidelines, 2015. Collection method: clinical testing. Allele origin: germline.

Division of Human Genetics, Children's Hospital of Philadelphia
Classification: Pathogenic for Peroxisome biogenesis disorder 9B; Rhizomelic chondrodysplasia punctata type 1. Last evaluated: 2016-08-16. Review status: no assertion criteria provided. Collection method: research. Allele origin: germline. Study: CSER-PediSeq. Not counted in ClinVar's aggregate classification.

OMIM
Classification: Pathogenic for RHIZOMELIC CHONDRODYSPLASIA PUNCTATA, TYPE 1. Last evaluated: 2002-03-01. Review status: no assertion criteria provided. Collection method: literature only. Allele origin: germline. Not counted in ClinVar's aggregate classification.

Clinical Genetics DNA and cytogenetics Diagnostics Lab, Erasmus MC, Erasmus Medical Center
Classification: Pathogenic. Review status: no assertion criteria provided. Collection method: clinical testing. Allele origin: germline. Affected: yes. Study: VKGL Data-share Consensus. Not counted in ClinVar's aggregate classification.

Clinical Genetics, Academic Medical Center
Classification: Pathogenic. Review status: no assertion criteria provided. Collection method: clinical testing. Allele origin: germline. Affected: yes. Study: VKGL Data-share Consensus. Not counted in ClinVar's aggregate classification.

Diagnostic Laboratory, Department of Genetics, University Medical Center Groningen
Classification: Pathogenic. Review status: no assertion criteria provided. Collection method: clinical testing. Allele origin: germline. Affected: yes. Study: VKGL Data-share Consensus. Not counted in ClinVar's aggregate classification.

GeneReviews
No classification provided. Condition: Rhizomelic chondrodysplasia punctata type 1. Review status: no classification provided. Collection method: literature only. Allele origin: unknown. Not counted in ClinVar's aggregate classification.

Genome Diagnostics Laboratory, Amsterdam University Medical Center
Classification: Pathogenic. Review status: no assertion criteria provided. Collection method: clinical testing. Allele origin: germline. Affected: yes. Study: VKGL Data-share Consensus. Not counted in ClinVar's aggregate classification.

Genome Diagnostics Laboratory, University Medical Center Utrecht
Classification: Pathogenic. Review status: no assertion criteria provided. Collection method: clinical testing. Allele origin: germline. Affected: yes. Study: VKGL Data-share Consensus. Not counted in ClinVar's aggregate classification.

Joint Genome Diagnostic Labs from Nijmegen and Maastricht, Radboudumc and MUMC+
Classification: Pathogenic. Review status: no assertion criteria provided. Collection method: clinical testing. Allele origin: germline. Affected: yes. Study: VKGL Data-share Consensus. Not counted in ClinVar's aggregate classification.

Literature cited by the submitters: PubMed 9090381 (cited by 9 submitters); PubMed 9090382 (cited by 3 submitters); PubMed 10083738 (cited by 5 submitters); PubMed 21990100 (cited by Labcorp Genetics (formerly Invitae), Labcorp and Mayo Clinic Laboratories, Mayo Clinic); PubMed 22008564 (cited by Labcorp Genetics (formerly Invitae), Labcorp and Mayo Clinic Laboratories, Mayo Clinic); PubMed 23572185 (cited by 4 submitters); PubMed 25800479 (cited by Labcorp Genetics (formerly Invitae), Labcorp); PubMed 11756410 (cited by 3 submitters); PubMed 26587300 (cited by 3 submitters); PubMed 11781871 (cited by 5 submitters); PubMed 10673331 (cited by 5 submitters); PubMed 12325024 (cited by 3 submitters); PubMed 33337545 (cited by Mayo Clinic Laboratories, Mayo Clinic); PubMed 35055178 (cited by Mayo Clinic Laboratories, Mayo Clinic); PubMed 20301447 (cited by 3 submitters); PubMed 9090383 (cited by 3 submitters); PubMed 21465523 (cited by Myriad Genetics, Inc.); PubMed 9686382 (cited by Illumina Laboratory Services, Illumina); PubMed 1773541 (cited by OMIM); NCBI Bookshelf NBK1270 (cited by GeneReviews).